The following is an entry in ClinVar:

NM_004380.3(CREBBP):c.4447A>G (p.Ile1483Val)

Gene: CREBBP (CREB binding lysine acetyltransferase; minus strand). Cytogenetic location: 16p13.3.
Variant type: single nucleotide variant.
Coding change: c.4447A>G on transcript NM_004380.3 (MANE Select); coding-DNA position 4447, A replaced by G.
Protein change: p.Ile1483Val; replaces isoleucine 1483 with valine.
Molecular consequence: missense variant.
Genome position (GRCh38, 1-based): chr16:3,736,763, T>C on the plus strand (A>G on the coding strand, the complement: CREBBP is on the minus strand). VCF-style: chr16-3736763-T-C. GRCh37 (hg19) VCF-style: chr16-3786764-T-C.
Other names: c.4333A>G, p.Ile1445Val (NM_001079846.1); short protein forms I1483V, I1445V.
Identifiers: ClinVar variation 4989494 (VCV004989494.1).

ClinVar aggregate classification (germline): Uncertain significance (1 of 4 stars; one submission).

Conditions:
CREBBP-related disorder. Also called: CREBBP-related disorders; CREBBP-related condition.

gnomAD v4.1: 1 of 1,614,158 alleles (0.000062%); highest among the groups gnomAD compares: Non-Finnish European, 0.000085%; no homozygotes.

Submission:

PreventionGenetics, part of Exact Sciences
Classification: Uncertain significance for CREBBP-related condition. Last evaluated: 2025-11-12. Review status: criteria provided, single submitter. Criteria: ACMG Guidelines, 2015. Collection method: clinical testing. Allele origin: germline.
Comment: The CREBBP c.4447A>G variant is predicted to result in the amino acid substitution p.Ile1483Val. To our knowledge, this variant has not been reported in the literature or in a large population database (gnomAD), indicating this variant is rare. At this time, the clinical significance of this variant is uncertain due to the absence of conclusive functional and genetic evidence.